The following is an entry in ClinVar:

NM_000038.6(APC):c.2552G>T (p.Ser851Ile)

Gene: APC (APC regulator of Wnt signaling pathway; plus strand). Cytogenetic location: 5q22.2.
Variant type: single nucleotide variant.
Coding change: c.2552G>T on transcript NM_000038.6 (MANE Select); coding-DNA position 2552, G replaced by T.
Protein change: p.Ser851Ile; replaces serine 851 with isoleucine.
Molecular consequence: missense variant.
Genome position (GRCh38, 1-based): chr5:112,838,146, G>T. VCF-style: chr5-112838146-G-T. GRCh37 (hg19) VCF-style: chr5-112173843-G-T.
Other names: c.2552G>T, p.Ser851Ile (NM_001127510.3, NM_001354895.2); c.2498G>T, p.Ser833Ile (NM_001127511.3); c.2606G>T, p.Ser869Ile (NM_001354896.2); c.2582G>T, p.Ser861Ile (NM_001354897.2); c.2477G>T, p.Ser826Ile (NM_001354898.2); c.2468G>T, p.Ser823Ile (NM_001354899.2); c.2429G>T, p.Ser810Ile (NM_001354900.2); c.2375G>T, p.Ser792Ile (NM_001354901.2); and 5 more; short protein forms S792I, S823I, S869I, S760I, S826I, S833I, S861I, S750I.
Identifiers: ClinVar variation 658575 (VCV000658575.14), dbSNP rs1554084260, ClinGen allele CA16026925.

ClinVar aggregate classification (germline): Uncertain significance. Review status: criteria provided, multiple submitters, no conflicts (2 of 4 stars). 3 submissions from 3 submitters: Uncertain significance (3). Last evaluated 2026-02-16.

Conditions:
Familial adenomatous polyposis 1 (FAP1). Also called: FAMILIAL ADENOMATOUS POLYPOSIS 1, ATTENUATED; POLYPOSIS, ADENOMATOUS INTESTINAL. Identifiers: MedGen C2713442, MONDO:0021056, OMIM 175100. Disease mechanism: loss of function.
Hereditary cancer-predisposing syndrome. Also called: Neoplastic Syndromes, Hereditary; Hereditary neoplastic syndrome; Tumor predisposition; Hereditary Cancer Syndrome. Identifiers: Orphanet 140162, MedGen C0027672, MeSH D009386, MONDO:0015356.
Classic or attenuated familial adenomatous polyposis. Identifiers: MedGen CN372698, MONDO:0021057.

Submissions (3):

Ambry Genetics
Classification: Uncertain significance for Hereditary cancer-predisposing syndrome. Last evaluated: 2026-02-16. Review status: criteria provided, single submitter. Criteria: Ambry Variant Classification Scheme 2023. Collection method: clinical testing. Allele origin: germline.
Comment: The p.S851I variant (also known as c.2552G>T), located in coding exon 15 of the APC gene, results from a G to T substitution at nucleotide position 2552. The serine at codon 851 is replaced by isoleucine, an amino acid with dissimilar properties. This amino acid position is conserved. In addition, in silico predictors for this gene do not accurately predict pathogenicity. Based on the available evidence, the clinical significance of this variant remains unclear.

All of Us Research Program, National Institutes of Health
Classification: Uncertain significance for Classic or attenuated familial adenomatous polyposis. Last evaluated: 2023-08-15. Review status: criteria provided, single submitter. Criteria: ACMG Guidelines, 2015. Collection method: clinical testing. Allele origin: germline. Inheritance: Autosomal dominant inheritance. Observed: 1 variant allele, 1 heterozygote.
Comment: This missense variant replaces serine with isoleucine at codon 851 of the APC protein. Computational prediction is inconclusive regarding the impact of this variant on protein structure and function (internally defined REVEL score threshold 0.5 < inconclusive < 0.7, PMID: 27666373). To our knowledge, functional studies have not been reported for this variant. This variant has not been reported in individuals affected with APC-related disorders in the literature. This variant has not been identified in the general population by the Genome Aggregation Database (gnomAD). The available evidence is insufficient to determine the role of this variant in disease conclusively. Therefore, this variant is classified as a Variant of Uncertain Significance.

This study involves interpretation of variants in research participants for the purpose of population health screening. Participant phenotype was not available at the time of variant classification. Additional details can be found in publication PMID: 35346344, PMCID: PMC8962531

Labcorp Genetics (formerly Invitae), Labcorp
Classification: Uncertain significance for Familial adenomatous polyposis 1. Last evaluated: 2019-06-13. Review status: criteria provided, single submitter. Criteria: Invitae Variant Classification Sherloc (09022015). Collection method: clinical testing. Allele origin: germline.
Comment: In summary, the available evidence is currently insufficient to determine the role of this variant in disease. Therefore, it has been classified as a Variant of Uncertain Significance. Algorithms developed to predict the effect of missense changes on protein structure and function are either unavailable or do not agree on the potential impact of this missense change (SIFT: "Deleterious"; PolyPhen-2: "Probably Damaging"; Align-GVGD: "Class C0"). This variant has not been reported in the literature in individuals with APC-related disease. This variant is not present in population databases (ExAC no frequency). This sequence change replaces serine with isoleucine at codon 851 of the APC protein (p.Ser851Ile). The serine residue is highly conserved and there is a large physicochemical difference between serine and isoleucine.